The following is an entry in ClinVar:

ClinVar aggregate classification (germline): Uncertain significance. Review status: criteria provided, multiple submitters, no conflicts (2 of 4 stars). 3 submissions from 3 submitters: Uncertain significance (3). Last evaluated 2024-06-02.

Allele frequency attached by ClinVar (database versions not stated): gnomAD 0.00002; gnomAD exomes 0.00004; ExAC 0.00019.
gnomAD v4.1: 59 of 1,533,340 alleles (0.0038%); highest among the groups gnomAD compares: South Asian, 0.0083%; no homozygotes.

Submissions (3):

Ambry Genetics
Classification: Uncertain significance. Last evaluated: 2024-06-02. Review status: criteria provided, single submitter. Criteria: Ambry Variant Classification Scheme 2023. Collection method: clinical testing. Allele origin: germline.

Labcorp Genetics (formerly Invitae), Labcorp
Classification: Uncertain significance. Last evaluated: 2023-01-04. Review status: criteria provided, single submitter. Criteria: Invitae Variant Classification Sherloc (09022015). Collection method: clinical testing. Allele origin: germline.
Comment: In summary, the available evidence is currently insufficient to determine the role of this variant in disease. Therefore, it has been classified as a Variant of Uncertain Significance. Algorithms developed to predict the effect of missense changes on protein structure and function output the following: SIFT: "Deleterious"; PolyPhen-2: "Benign"; Align-GVGD: "Class C0". The valine amino acid residue is found in multiple mammalian species, which suggests that this missense change does not adversely affect protein function. ClinVar contains an entry for this variant (Variation ID: 1483547). This variant has not been reported in the literature in individuals affected with RAX2-related conditions. This variant is present in population databases (rs772425151, gnomAD 0.01%). This sequence change replaces alanine, which is neutral and non-polar, with valine, which is neutral and non-polar, at codon 105 of the RAX2 protein (p.Ala105Val).

Blueprint Genetics
Classification: Uncertain significance. Last evaluated: 2022-01-24. Review status: criteria provided, single submitter. Criteria: ACMG Guidelines, 2015. Collection method: clinical testing. Allele origin: germline.

NM_001319074.4(RAX2):c.314C>T (p.Ala105Val)

Gene: RAX2 (retina and anterior neural fold homeobox 2; minus strand). Cytogenetic location: 19p13.3.
Variant type: single nucleotide variant.
Coding change: c.314C>T on transcript NM_001319074.4 (MANE Select); coding-DNA position 314, C replaced by T.
Protein change: p.Ala105Val; replaces alanine 105 with valine.
Molecular consequence: missense variant.
Genome position (GRCh38, 1-based): chr19:3,770,862, G>A on the plus strand (C>T on the coding strand, the complement: RAX2 is on the minus strand). VCF-style: chr19-3770862-G-A. GRCh37 (hg19) VCF-style: chr19-3770860-G-A.
Other names: c.314C>T, p.Ala105Val (NM_032753.4); c.314C>T (NM_032753.3); short protein forms A105V.
Identifiers: ClinVar variation 1483547 (VCV001483547.8), dbSNP rs772425151, ClinGen allele CA9085050.